The following is an entry in ClinVar:

NM_170601.5(SIAE):c.388C>T (p.Gln130Ter)

Gene: SIAE (sialic acid acetylesterase; minus strand). Cytogenetic location: 11q24.2.
Variant type: single nucleotide variant.
Coding change: c.388C>T on transcript NM_170601.5 (MANE Select); coding-DNA position 388, C replaced by T.
Protein change: p.Gln130Ter; replaces glutamine 130 with a stop codon.
Molecular consequence: nonsense.
Genome position (GRCh38, 1-based): chr11:124,660,645, G>A on the plus strand (C>T on the coding strand, the complement: SIAE is on the minus strand). VCF-style: chr11-124660645-G-A. GRCh37 (hg19) VCF-style: chr11-124530541-G-A.
Other names: c.283C>T, p.Gln95Ter (NM_001199922.2); short protein forms Q95*, Q130*.
Identifiers: ClinVar variation 2071060 (VCV002071060.4), dbSNP rs2496932472, ClinGen allele CA383120815.
Genomic context (GRCh38, chr11:124,660,645, plus strand): 5'-CATCACCAACACTGTGTATTATTGCTGAGACTCTGCAAATTACCTGTAACACAGTCATCT[G>A]CATGTTACTCTGCCCACTACAGAGCCAGACATCTCCAAACAGGACGTCATGAACTCTCAG-3'

ClinVar aggregate classification (germline): Uncertain significance (1 of 4 stars; one submission).

Submission:

Labcorp Genetics (formerly Invitae), Labcorp
Classification: Uncertain significance. Last evaluated: 2022-10-01. Review status: criteria provided, single submitter. Criteria: Invitae Variant Classification Sherloc (09022015). Collection method: clinical testing. Allele origin: germline.
Comment: In summary, the available evidence is currently insufficient to determine the role of this variant in disease. Therefore, it has been classified as a Variant of Uncertain Significance. This variant has not been reported in the literature in individuals affected with SIAE-related conditions. This variant is not present in population databases (gnomAD no frequency). This sequence change creates a premature translational stop signal (p.Gln130*) in the SIAE gene. It is expected to result in an absent or disrupted protein product. However, the current clinical and genetic evidence is not sufficient to establish whether loss-of-function variants in SIAE cause disease.